The following is an entry in ClinVar:

NM_000548.5(TSC2):c.4847A>G (p.Gln1616Arg)

Gene: TSC2 (TSC complex subunit 2; plus strand). Cytogenetic location: 16p13.3.
Variant type: single nucleotide variant.
Coding change: c.4847A>G on transcript NM_000548.5 (MANE Select); coding-DNA position 4847, A replaced by G.
Protein change: p.Gln1616Arg; replaces glutamine 1616 with arginine.
Molecular consequence: missense variant.
Genome position (GRCh38, 1-based): chr16:2,086,377, A>G. VCF-style: chr16-2086377-A-G. GRCh37 (hg19) VCF-style: chr16-2136378-A-G.
Other names: c.4646A>G, p.Gln1549Arg (NM_001077183.3); c.4778A>G, p.Gln1593Arg (NM_001114382.3); c.4538A>G, p.Gln1513Arg (NM_001318827.2); c.4502A>G, p.Gln1501Arg (NM_001318829.2); c.4115A>G, p.Gln1372Arg (NM_001318831.2); c.4679A>G, p.Gln1560Arg (NM_001318832.2); c.4649A>G, p.Gln1550Arg (NM_001363528.2); c.4715A>G, p.Gln1572Arg (NM_001370404.1); and 1 more; short protein forms Q1616R, Q1372R, Q1560R, Q1513R, Q1549R, Q1550R, Q1573R, Q1501R.
Identifiers: ClinVar variation 486604 (VCV000486604.16), dbSNP rs1555516313, ClinGen allele CA394308158.

ClinVar aggregate classification (germline): Uncertain significance. Review status: criteria provided, multiple submitters, no conflicts (2 of 4 stars). 3 submissions from 3 submitters: Uncertain significance (3). Last evaluated 2026-07-23.

Conditions:
Hereditary cancer-predisposing syndrome. Also called: Neoplastic Syndromes, Hereditary; Hereditary neoplastic syndrome; Hereditary Cancer Syndrome; Tumor predisposition. Identifiers: Orphanet 140162, MedGen C0027672, MeSH D009386, MONDO:0015356.
Tuberous sclerosis 2 (TSC2). Identifiers: Orphanet 805, MedGen C1860707, MONDO:0013199, OMIM 613254.

Submissions (3):

Ambry Genetics
Classification: Uncertain significance for Hereditary cancer-predisposing syndrome. Last evaluated: 2026-07-23. Review status: criteria provided, single submitter. Criteria: Ambry Variant Classification Scheme 2023. Collection method: clinical testing. Allele origin: germline.
Comment: The p.Q1616R variant (also known as c.4847A>G), located in coding exon 36 of the TSC2 gene, results from an A to G substitution at nucleotide position 4847. The glutamine at codon 1616 is replaced by arginine, an amino acid with highly similar properties. This amino acid position is highly conserved in available vertebrate species. In addition, this alteration is predicted to be deleterious by in silico analysis. Based on the available evidence, the clinical significance of this variant remains unclear.

Labcorp Genetics (formerly Invitae), Labcorp
Classification: Uncertain significance for Tuberous sclerosis 2. Last evaluated: 2026-01-26. Review status: criteria provided, single submitter. Criteria: Invitae Variant Classification Sherloc (09022015). Collection method: clinical testing. Allele origin: germline.
Comment: This sequence change replaces glutamine, which is neutral and polar, with arginine, which is basic and polar, at codon 1616 of the TSC2 protein (p.Gln1616Arg). This variant is not present in population databases (gnomAD no frequency). This variant has not been reported in the literature in individuals affected with TSC2-related conditions. ClinVar contains an entry for this variant (Variation ID: 486604). An algorithm developed to predict the effect of missense changes on protein structure and function (PolyPhen-2) suggests that this variant is likely to be disruptive. In summary, the available evidence is currently insufficient to determine the role of this variant in disease. Therefore, it has been classified as a Variant of Uncertain Significance.

GeneDx
Classification: Uncertain significance. Last evaluated: 2025-03-19. Review status: criteria provided, single submitter. Criteria: GeneDx Variant Classification Process June 2021. Collection method: clinical testing. Allele origin: germline. Affected: yes.
Comment: Not observed at significant frequency in large population cohorts (gnomAD); In silico analysis supports that this missense variant has a deleterious effect on protein structure/function; Has not been previously published as pathogenic or benign to our knowledge; This variant is associated with the following publications: (PMID: 18466115)